The following is an entry in ClinVar:

ClinVar aggregate classification (germline): Pathogenic/Likely pathogenic. Review status: criteria provided, multiple submitters, no conflicts (2 of 4 stars). 3 submissions from 3 submitters: Pathogenic (2); Likely pathogenic (1). Last evaluated 2026-09-08.

Conditions:
Fabry disease. Also called: Fabry's disease; Angiokeratoma corporis diffusum; ALPHA-GALACTOSIDASE A DEFICIENCY; ANDERSON-FABRY DISEASE; CERAMIDE TRIHEXOSIDASE DEFICIENCY; GLA DEFICIENCY. Identifiers: Orphanet 324, MedGen C0002986, MONDO:0010526, OMIM 301500, HP:0001071. Disease mechanism: loss of function, Fabry disease is due to inactivating mutations in the X-linked GLA gene resulting in deficiency of the enzyme Alpha Galactosidase-A..

Submissions (3):

Genomenon, Inc
Classification: Likely pathogenic for Fabry disease. Last evaluated: 2026-09-08. Review status: criteria provided, single submitter. Criteria: Genomenon Sequence Variant Interpretation Standards - Updated. Collection method: curation. Allele origin: germline. Affected: yes.
Comment: GLA p.Met42Ile (c.126G>C) is a missense variant that changes the amino acid at codon 42 from Methionine to Isoleucine. This variant has been observed in at least one proband with clinical features consistent with Fabry disease (PMID:40981160). The variant was found to segregate with disease in at least one affected family (PMID:40981160). This variant is located in a mutational hotspot and/or important functional domain. It is absent or not present at a significant frequency in gnomAD. In silico models predict that this variant is possibly or probably damaging. In conclusion, we classify GLA p.Met42Ile (c.126G>C) as a likely pathogenic variant.

Labcorp Genetics (formerly Invitae), Labcorp
Classification: Pathogenic for Fabry disease. Last evaluated: 2025-12-24. Review status: criteria provided, single submitter. Criteria: Invitae Variant Classification Sherloc (09022015). Collection method: clinical testing. Allele origin: germline.
Comment: This sequence change replaces methionine, which is neutral and non-polar, with isoleucine, which is neutral and non-polar, at codon 42 of the GLA protein (p.Met42Ile). This variant is not present in population databases (gnomAD no frequency). This missense change has been observed in individual(s) with Fabry disease (PMID: 27560961, 30988410, 31996269). ClinVar contains an entry for this variant (Variation ID: 594121). Invitae Evidence Modeling of protein sequence and biophysical properties (such as structural, functional, and spatial information, amino acid conservation, physicochemical variation, residue mobility, and thermodynamic stability) indicates that this missense variant is expected to disrupt GLA protein function with a positive predictive value of 80%. This variant disrupts the p.Met42 amino acid residue in GLA. Other variant(s) that disrupt this residue have been determined to be pathogenic (PMID: 15492942, 15712228, 27657681). This suggests that this residue is clinically significant, and that variants that disrupt this residue are likely to be disease-causing. For these reasons, this variant has been classified as Pathogenic.

Eurofins Ntd Llc (ga)
Classification: Pathogenic. Last evaluated: 2017-09-29. Review status: criteria provided, single submitter. Criteria: EGL Classification Definitions 2015. Collection method: clinical testing. Allele origin: germline. Observed: 3 variant alleles, 2 heterozygotes, 1 hemizygote.

Literature cited by the submitters: PubMed 40981160 (cited by Genomenon, Inc); PubMed 27560961 (cited by Labcorp Genetics (formerly Invitae), Labcorp); PubMed 30988410 (cited by Labcorp Genetics (formerly Invitae), Labcorp); PubMed 31996269 (cited by Labcorp Genetics (formerly Invitae), Labcorp); PubMed 15492942 (cited by Labcorp Genetics (formerly Invitae), Labcorp); PubMed 15712228 (cited by Labcorp Genetics (formerly Invitae), Labcorp); PubMed 27657681 (cited by Labcorp Genetics (formerly Invitae), Labcorp).

NM_000169.3(GLA):c.126G>C (p.Met42Ile)

Genes: GLA (galactosidase alpha; minus strand), RPL36A-HNRNPH2 (RPL36A-HNRNPH2 readthrough; plus strand). Cytogenetic location: Xq22.1.
Variant type: single nucleotide variant.
Coding change: c.126G>C on transcript NM_000169.3 (MANE Select); coding-DNA position 126, G replaced by C.
Protein change: p.Met42Ile; replaces methionine 42 with isoleucine.
Molecular consequence: missense variant. On other transcripts: non-coding transcript variant (3), intron variant (2).
Genome position (GRCh38, 1-based): chrX:101,407,778, C>G on the plus strand (G>C on the coding strand, the complement: GLA is on the minus strand). VCF-style: chrX-101407778-C-G. GRCh37 (hg19) VCF-style: chrX-100662766-C-G.
Other names: c.126G>C, p.Met42Ile (NM_001406747.1, NM_001406748.1, NM_001406749.1); c.301-4158C>G (NM_001199973.2); c.178-4158C>G (NM_001199974.2); short protein forms M42I.
Identifiers: ClinVar variation 594121 (VCV000594121.8), dbSNP rs1569306108, ClinGen allele CA413937183.